The following is an entry in ClinVar:

NM_025207.5(FLAD1):c.1748G>A (p.Arg583Gln)

Gene: FLAD1 (flavin adenine dinucleotide synthetase 1; plus strand). Cytogenetic location: 1q21.3.
Variant type: single nucleotide variant.
Coding change: c.1748G>A on transcript NM_025207.5 (MANE Select); coding-DNA position 1748, G replaced by A.
Protein change: p.Arg583Gln; replaces arginine 583 with glutamine.
Molecular consequence: missense variant. On other transcripts: 3 prime UTR variant (1).
Genome position (GRCh38, 1-based): chr1:154,993,021, G>A. VCF-style: chr1-154993021-G-A. GRCh37 (hg19) VCF-style: chr1-154965497-G-A.
Other names: c.1748G>A (NM_025207.4); c.*231G>A (NM_001184891.2); c.1457G>A, p.Arg486Gln (NM_201398.3); short protein forms R486Q, R583Q.
Identifiers: ClinVar variation 1898504 (VCV001898504.4), dbSNP rs571357479, ClinGen allele CA1134672.

ClinVar aggregate classification (germline): Conflicting classifications of pathogenicity. Review status: criteria provided, conflicting classifications (1 of 4 stars). 3 submissions from 3 submitters: Likely pathogenic (1); Uncertain significance (2). Last evaluated 2023-12-29.

Conditions:
FLAD1-related disorder. Also called: FLAD1-related condition.
Myopathy with abnormal lipid metabolism. Also called: Lipid storage myopathy due to flavin adenine dinucleotide synthetase deficiency. Identifiers: MedGen C4310822, MONDO:0009703, OMIM 255100.

Allele frequency attached by ClinVar (database versions not stated): gnomAD 0.00007; gnomAD exomes 0.00006; TOPMed 0.00003; ExAC 0.00006.
gnomAD v4.1: 92 of 1,613,896 alleles (0.0057%); highest among the groups gnomAD compares: Non-Finnish European, 0.0075%; no homozygotes.

Submissions (3):

Labcorp Genetics (formerly Invitae), Labcorp
Classification: Uncertain significance. Last evaluated: 2023-12-29. Review status: criteria provided, single submitter. Criteria: Invitae Variant Classification Sherloc (09022015). Collection method: clinical testing. Allele origin: germline.
Comment: This sequence change replaces arginine, which is basic and polar, with glutamine, which is neutral and polar, at codon 583 of the FLAD1 protein (p.Arg583Gln). This variant is present in population databases (rs571357479, gnomAD 0.009%). This variant has not been reported in the literature in individuals affected with FLAD1-related conditions. ClinVar contains an entry for this variant (Variation ID: 1898504). An algorithm developed to predict the effect of missense changes on protein structure and function (PolyPhen-2) suggests that this variant is likely to be disruptive. In summary, the available evidence is currently insufficient to determine the role of this variant in disease. Therefore, it has been classified as a Variant of Uncertain Significance.

PreventionGenetics, part of Exact Sciences
Classification: Uncertain significance for FLAD1-related condition. Last evaluated: 2022-12-19. Review status: criteria provided, single submitter. Criteria: ACMG Guidelines, 2015. Collection method: clinical testing. Allele origin: germline.
Comment: The FLAD1 c.1748G>A variant is predicted to result in the amino acid substitution p.Arg583Gln. To our knowledge, this variant has not been reported in the literature. This variant is reported in 0.0093% of alleles in individuals of European (Non-Finnish) descent in gnomAD. At this time, the clinical significance of this variant is uncertain due to the absence of conclusive functional and genetic evidence.

Institute for Medical Genetics and Human Genetics, Charité - Universitätsmedizin Berlin
Classification: Likely pathogenic for Myopathy with abnormal lipid metabolism. Review status: criteria provided, single submitter. Criteria: ACMG Guidelines, 2015. Collection method: not provided. Allele origin: germline. Inheritance: Autosomal recessive inheritance. Affected: yes.